The following is an entry in ClinVar:

ClinVar aggregate classification (germline): Uncertain significance (1 of 4 stars; one submission).

Conditions:
Frontotemporal dementia and/or amyotrophic lateral sclerosis 6 (FTDALS6). Also called: VCP-Related Amyotrophic Lateral Sclerosis; VCP-Related Amyotrophic Lateral Sclerosis/Frontotemporal Dementia. Identifiers: Orphanet 275872, Orphanet 803, MedGen C5436279, MONDO:0013501, OMIM 613954.
Inclusion body myopathy with Paget disease of bone and frontotemporal dementia. Also called: Inclusion body myopathy with early-onset Paget disease and frontotemporal dementia. Identifiers: Orphanet 52430, MedGen C1833662, MONDO:0000507.

Allele frequency attached by ClinVar (database versions not stated): gnomAD exomes below 0.00001.
gnomAD v4.1: 1 of 1,614,182 alleles (0.000062%); highest among the groups gnomAD compares: Non-Finnish European, 0.000085%; no homozygotes.

Submission:

Labcorp Genetics (formerly Invitae), Labcorp
Classification: Uncertain significance for Inclusion body myopathy with early-onset Paget disease and frontotemporal dementia; Amyotrophic lateral sclerosis 14, with or without frontotemporal dementia. Last evaluated: 2019-11-05. Review status: criteria provided, single submitter. Criteria: Invitae Variant Classification Sherloc (09022015). Collection method: clinical testing. Allele origin: germline.
Comment: This sequence change replaces methionine with valine at codon 442 of the VCP protein (p.Met442Val). The methionine residue is moderately conserved and there is a small physicochemical difference between methionine and valine. This variant is not present in population databases (ExAC no frequency). This variant has not been reported in the literature in individuals with VCP-related conditions. Algorithms developed to predict the effect of missense changes on protein structure and function are either unavailable or do not agree on the potential impact of this missense change (SIFT: "Not Available"; PolyPhen-2: "Benign"; Align-GVGD: "Not Available"). In summary, the available evidence is currently insufficient to determine the role of this variant in disease. Therefore, it has been classified as a Variant of Uncertain Significance.

NM_007126.5(VCP):c.1324A>G (p.Met442Val)

Gene: VCP (valosin containing protein; minus strand). Cytogenetic location: 9p13.3.
Variant type: single nucleotide variant.
Coding change: c.1324A>G on transcript NM_007126.5 (MANE Select); coding-DNA position 1324, A replaced by G.
Protein change: p.Met442Val; replaces methionine 442 with valine.
Molecular consequence: missense variant.
Genome position (GRCh38, 1-based): chr9:35,061,050, T>C on the plus strand (A>G on the coding strand, the complement: VCP is on the minus strand). VCF-style: chr9-35061050-T-C. GRCh37 (hg19) VCF-style: chr9-35061047-T-C.
Other names: c.1189A>G, p.Met397Val (NM_001354927.2, NM_001354928.2); short protein forms M397V, M442V.
Identifiers: ClinVar variation 961078 (VCV000961078.1), dbSNP rs1828712085, ClinGen allele CA373281965.